The following is an entry in ClinVar:

NM_003151.4(STAT4):c.299A>G (p.His100Arg)

Gene: STAT4 (signal transducer and activator of transcription 4; minus strand). Cytogenetic location: 2q32.2.
Variant type: single nucleotide variant.
Coding change: c.299A>G on transcript NM_003151.4 (MANE Select); coding-DNA position 299, A replaced by G.
Protein change: p.His100Arg; replaces histidine 100 with arginine.
Molecular consequence: missense variant.
Genome position (GRCh38, 1-based): chr2:191,076,300, T>C on the plus strand (A>G on the coding strand, the complement: STAT4 is on the minus strand). VCF-style: chr2-191076300-T-C. GRCh37 (hg19) VCF-style: chr2-191941026-T-C.
Other names: c.299A>G, p.His100Arg (NM_001243835.2); short protein forms H100R.
Identifiers: ClinVar variation 1905977 (VCV001905977.5), dbSNP rs1267779076, ClinGen allele CA349920576.

ClinVar aggregate classification (germline): Uncertain significance (1 of 4 stars; one submission).

gnomAD v4.1: 25 of 1,603,192 alleles (0.0016%); highest among the groups gnomAD compares: Non-Finnish European, 0.002%; no homozygotes.

Submission:

Labcorp Genetics (formerly Invitae), Labcorp
Classification: Uncertain significance. Last evaluated: 2022-10-23. Review status: criteria provided, single submitter. Criteria: Invitae Variant Classification Sherloc (09022015). Collection method: clinical testing. Allele origin: germline.
Comment: This sequence change replaces histidine, which is basic and polar, with arginine, which is basic and polar, at codon 100 of the STAT4 protein (p.His100Arg). In summary, the available evidence is currently insufficient to determine the role of this variant in disease. Therefore, it has been classified as a Variant of Uncertain Significance. Advanced modeling of protein sequence and biophysical properties (such as structural, functional, and spatial information, amino acid conservation, physicochemical variation, residue mobility, and thermodynamic stability) performed at Invitae indicates that this missense variant is not expected to disrupt STAT4 protein function. This variant has not been reported in the literature in individuals affected with STAT4-related conditions. This variant is present in population databases (no rsID available, gnomAD 0.0009%).